The following is an entry in ClinVar:

NM_015896.4(ZMYND10):c.383A>T (p.Glu128Val)

Gene: ZMYND10 (zinc finger MYND-type containing 10; minus strand). Cytogenetic location: 3p21.31.
Variant type: single nucleotide variant.
Coding change: c.383A>T on transcript NM_015896.4 (MANE Select); coding-DNA position 383, A replaced by T.
Protein change: p.Glu128Val; replaces glutamic acid 128 with valine.
Molecular consequence: missense variant.
Genome position (GRCh38, 1-based): chr3:50,343,434, T>A on the plus strand (A>T on the coding strand, the complement: ZMYND10 is on the minus strand). VCF-style: chr3-50343434-T-A. GRCh37 (hg19) VCF-style: chr3-50380865-T-A.
Other names: c.383A>T, p.Glu128Val (NM_001308379.2); short protein forms E128V.
Identifiers: ClinVar variation 3614570 (VCV003614570.1).

ClinVar aggregate classification (germline): Uncertain significance (1 of 4 stars; one submission).

Conditions:
Primary ciliary dyskinesia. Also called: Ciliary dyskinesia. Identifiers: Orphanet 244, MedGen C0008780, MONDO:0016575, HP:0012265.

Submission:

Labcorp Genetics (formerly Invitae), Labcorp
Classification: Uncertain significance for Primary ciliary dyskinesia. Last evaluated: 2025-02-03. Review status: criteria provided, single submitter. Criteria: Invitae Variant Classification Sherloc (09022015). Collection method: clinical testing. Allele origin: germline.
Comment: This sequence change replaces glutamic acid, which is acidic and polar, with valine, which is neutral and non-polar, at codon 128 of the ZMYND10 protein (p.Glu128Val). This variant is present in population databases (rs587667069, gnomAD 0.01%). This variant has not been reported in the literature in individuals affected with ZMYND10-related conditions. Invitae Evidence Modeling of protein sequence and biophysical properties (such as structural, functional, and spatial information, amino acid conservation, physicochemical variation, residue mobility, and thermodynamic stability) indicates that this missense variant is not expected to disrupt ZMYND10 protein function with a negative predictive value of 80%. In summary, the available evidence is currently insufficient to determine the role of this variant in disease. Therefore, it has been classified as a Variant of Uncertain Significance.